The following is an entry in ClinVar:

ClinVar aggregate classification (germline): Conflicting classifications of pathogenicity. Review status: criteria provided, conflicting classifications (1 of 4 stars). 4 submissions from 4 submitters: Uncertain significance (1); Benign (1); Likely benign (2). Last evaluated 2026-07-01.

Conditions:
Inborn genetic diseases. Identifiers: MedGen C0950123, MeSH D030342.
Spastic paraplegia. Identifiers: MedGen C0037772, HP:0001258.
Hereditary spastic paraplegia. Also called: Familial spastic paraparesis. Identifiers: Orphanet 685, MedGen C0037773, MONDO:0019064. Disease mechanism: loss of function.

Allele frequency attached by ClinVar (database versions not stated): gnomAD 0.00006 and 0.00009; TOPMed 0.00007; gnomAD exomes 0.00011 and 0.00017; ExAC 0.00012; ESP Exome Variant Server 0.00019.
gnomAD v4.1: 191 of 1,208,996 alleles (0.016%); highest among the groups gnomAD compares: Middle Eastern, 0.071%; 1 homozygote.

Submissions (4):

CeGaT Center for Human Genetics Tuebingen
Classification: Likely benign. Last evaluated: 2026-07-01. Review status: criteria provided, single submitter. Criteria: CeGaT Center For Human Genetics Tuebingen Variant Classification Criteria Version 2. Collection method: clinical testing. Allele origin: germline. Affected: yes. Observed: 2 variant alleles.
Comment: L1CAM: BP4, BP7, BS2

Labcorp Genetics (formerly Invitae), Labcorp
Classification: Benign for Spastic paraplegia. Last evaluated: 2025-10-24. Review status: criteria provided, single submitter. Criteria: Invitae Variant Classification Sherloc (09022015). Collection method: clinical testing. Allele origin: germline.

Ambry Genetics
Classification: Likely benign for Inborn genetic diseases. Last evaluated: 2018-06-12. Review status: criteria provided, single submitter. Criteria: Ambry Variant Classification Scheme 2023. Collection method: clinical testing. Allele origin: germline.

Genome Diagnostics Laboratory, The Hospital for Sick Children
Classification: Uncertain significance for Hereditary spastic paraplegia. Last evaluated: 2017-06-26. Review status: criteria provided, single submitter. Criteria: ACMG Guidelines, 2015. Collection method: clinical testing. Allele origin: germline. Affected: yes.

NM_001278116.2(L1CAM):c.2232C>T (p.Asn744=)

Gene: L1CAM (L1 cell adhesion molecule; minus strand). Cytogenetic location: Xq28.
Variant type: single nucleotide variant.
Coding change: c.2232C>T on transcript NM_001278116.2 (MANE Select); coding-DNA position 2232, C replaced by T.
Protein change: p.Asn744=; no amino-acid change (asparagine 744 retained).
Molecular consequence: synonymous variant.
Genome position (GRCh38, 1-based): chrX:153,866,848, G>A on the plus strand (C>T on the coding strand, the complement: L1CAM is on the minus strand). VCF-style: chrX-153866848-G-A. GRCh37 (hg19) VCF-style: chrX-153132303-G-A.
Other names: c.2232C>T, p.Asn744= (NM_000425.5, NM_024003.3); c.2217C>T, p.Asn739= (NM_001143963.2).
Identifiers: ClinVar variation 698150 (VCV000698150.35), dbSNP rs201081454, ClinGen allele CA10554203.
Genomic context (GRCh38, chrX:153,866,848, plus strand): 5'-CTGCCAGGGCCCTCGTGTCCCCTGAGGGCGCCACTGCACGCGGTACTGAACCTGGGGGGC[G>A]TTCCAGTCCATCCACCGGAGCGGCTGGAGGAGGCCAGCAGAAGAGGAGTTGGTTGGCCAA-3'
Protein context (NP_001265045.1, residues 734-754): TWKPLRWMDW[Asn744=]APQVQYRVQW